The following is an entry in ClinVar:

ClinVar aggregate classification (germline): Likely benign. Review status: criteria provided, multiple submitters, no conflicts (2 of 4 stars). 2 submissions from 2 submitters: Likely benign (2). Last evaluated 2025-09-10.

Conditions:
Developmental and epileptic encephalopathy, 1 (DEE1). Also called: X-linked infantile spasms; West's syndrome; Tonic spasms with clustering, arrest of psychomotor development and hypsarrhythmia on EEG; X-Linked Infantile Spasm Syndrome; INFANTILE SPASM SYNDROME, X-LINKED 1; Epileptic encephalopathy, early infantile, 1. Identifiers: MedGen C3463992, MONDO:0010632, OMIM 308350. Disease mechanism: loss of function.
Intellectual disability, X-linked, with or without seizures, ARX-related. Also called: MENTAL RETARDATION, X-LINKED 29; MENTAL RETARDATION, X-LINKED 32; MENTAL RETARDATION, X-LINKED 33; MENTAL RETARDATION, X-LINKED 38; MENTAL RETARDATION, X-LINKED 43; MENTAL RETARDATION, X-LINKED 76. Identifiers: Orphanet 777, MedGen C0796244, MONDO:0010317, OMIM 300419.

Allele frequency attached by ClinVar (database versions not stated): ExAC below 0.00001; gnomAD 0.00001; gnomAD exomes 0.00001.
gnomAD v4.1: 8 of 1,186,587 alleles (0.00067%); highest among the groups gnomAD compares: Non-Finnish European, 0.00091%; no homozygotes.

Submissions (2):

Women's Health and Genetics/Laboratory Corporation of America, LabCorp
Classification: Likely benign. Last evaluated: 2025-09-10. Review status: criteria provided, single submitter. Criteria: LabCorp Variant Classification Summary - May 2015. Collection method: clinical testing. Allele origin: germline.
Comment: Variant summary: ARX c.1448+9C>A alters a nucleotide located at a position not widely known to affect splicing. Consensus agreement among computation tools predict no significant impact on normal splicing. However, these predictions have yet to be confirmed by functional studies. The frequency data for this variant in gnomAD is considered unreliable, as metrics indicate poor data quality at this position. To our knowledge, no occurrence of c.1448+9C>A in individuals affected with ARX-related conditions and no experimental evidence demonstrating its impact on protein function have been reported. ClinVar contains an entry for this variant (Variation ID: 700263). Based on the evidence outlined above, the variant was classified as likely benign.

Labcorp Genetics (formerly Invitae), Labcorp
Classification: Likely benign for Developmental and epileptic encephalopathy, 1; Intellectual disability, X-linked, with or without seizures, ARX-related. Last evaluated: 2024-03-09. Review status: criteria provided, single submitter. Criteria: Invitae Variant Classification Sherloc (09022015). Collection method: clinical testing. Allele origin: germline.

NM_139058.3(ARX):c.1448+9C>A

Gene: ARX (aristaless related homeobox; minus strand). Cytogenetic location: Xp21.3.
Variant type: single nucleotide variant.
Coding change: c.1448+9C>A on transcript NM_139058.3 (MANE Select); 9 bases into the intron after coding-DNA position 1448, C replaced by A.
Molecular consequence: intron variant.
Genome position (GRCh38, 1-based): chrX:25,007,102, G>T on the plus strand (C>A on the coding strand, the complement: ARX is on the minus strand). VCF-style: chrX-25007102-G-T. GRCh37 (hg19) VCF-style: chrX-25025219-G-T.
Identifiers: ClinVar variation 700263 (VCV000700263.12), dbSNP rs759009252, ClinGen allele CA10373800.